The following is an entry in ClinVar:

ClinVar aggregate classification (germline): Uncertain significance (1 of 4 stars; one submission).

gnomAD v4.1: 8 of 1,613,566 alleles (0.0005%); highest among the groups gnomAD compares: Middle Eastern, 0.017%; no homozygotes.

Submission:

CeGaT Center for Human Genetics Tuebingen
Classification: Uncertain significance. Last evaluated: 2026-04-01. Review status: criteria provided, single submitter. Criteria: CeGaT Center For Human Genetics Tuebingen Variant Classification Criteria Version 2. Collection method: clinical testing. Allele origin: germline. Affected: yes. Observed: 1 variant allele.
Comment: RPS6KC1: PM2, BP4

NM_012424.6(RPS6KC1):c.1273G>A (p.Glu425Lys)

Gene: RPS6KC1 (ribosomal protein S6 kinase C1; plus strand). Cytogenetic location: 1q32.3.
Variant type: single nucleotide variant.
Coding change: c.1273G>A on transcript NM_012424.6 (MANE Select); coding-DNA position 1273, G replaced by A.
Protein change: p.Glu425Lys; replaces glutamic acid 425 with lysine.
Molecular consequence: missense variant. On other transcripts: 5 prime UTR variant (11), non-coding transcript variant (4).
Genome position (GRCh38, 1-based): chr1:213,240,749, G>A. VCF-style: chr1-213240749-G-A. GRCh37 (hg19) VCF-style: chr1-213414092-G-A.
Other names: c.1237G>A, p.Glu413Lys (NM_001136138.4); c.637G>A, p.Glu213Lys (NM_001287218.3, NM_001287219.3, NM_001349654.2); c.382G>A, p.Glu128Lys (NM_001349657.2, NM_001349658.2); c.217G>A, p.Glu73Lys (NM_001349659.2, NM_001349660.2, NM_001349661.2 and 1 more transcripts); c.-123G>A (NM_001349663.2, NM_001349664.2, NM_001349665.2 and 8 more transcripts); c.730G>A, p.Glu244Lys (NM_001287221.3, NM_001349648.2, NM_001349649.2 and 4 more transcripts); c.1180G>A, p.Glu394Lys (NM_001349646.2); c.910G>A, p.Glu304Lys (NM_001349647.2); short protein forms E128K, E213K, E244K, E304K, E394K, E413K, E425K, E73K.
Identifiers: ClinVar variation 4873289 (VCV004873289.2).